The following is an entry in ClinVar:

NM_004415.4(DSP):c.2878-15_2878-14del

Gene: DSP (desmoplakin; plus strand). Cytogenetic location: 6p24.3.
Variant type: Deletion.
Coding change: c.2878-15_2878-14del on transcript NM_004415.4 (MANE Select); 15 bases into the intron before coding-DNA position 2878 through 14 bases into the intron before coding-DNA position 2878, 2 bases deleted (TT; older notation c.2878-15_2878-14delTT).
Molecular consequence: intron variant.
Genome position (GRCh38, 1-based): chr6:7,577,764-7,577,765, TT deleted. VCF-style (leftmost placement, unchanged base first): chr6-7577763-CTT-C. GRCh37 (hg19) VCF-style: chr6-7577996-CTT-C.
Other names: c.2878-15_2878-14del (NM_001319034.2, NM_001008844.3).
Identifiers: ClinVar variation 920143 (VCV000920143.3), dbSNP rs763029451, ClinGen allele CA035957.

ClinVar aggregate classification (germline): Uncertain significance (1 of 4 stars; one submission).

Conditions:
Cardiomyopathy (CMYO). Also called: Cardiomyopathies. Identifiers: Orphanet 167848, MedGen C0878544, MONDO:0004994, HP:0001638. Inheritance: Various modes of inheritance.

Allele frequency attached by ClinVar (database versions not stated): gnomAD exomes 0.00001 and below 0.00001; ExAC 0.00002.

Submission:

Color Diagnostics, LLC DBA Color Health
Classification: Uncertain significance for Cardiomyopathy. Last evaluated: 2019-08-15. Review status: criteria provided, single submitter. Criteria: ACMG Guidelines, 2015. Collection method: clinical testing. Allele origin: germline.
Comment: This variant is located in intron 20 of the DSP gene. Computational splicing tools and conservation analyses are inconclusive regarding the impact of this variant on RNA splicing. To our knowledge, functional assays have not been performed for this variant nor has this variant been reported in individuals affected with cardiovascular disorders in the literature. This variant has been identified in 3/251226 chromosomes in the general population by the Genome Aggregation Database (gnomAD). Available evidence is insufficient to determine the role of this variant in disease conclusively. Therefore, this variant is classified as a Variant of Uncertain Significance.